The following is an entry in ClinVar:

ClinVar aggregate classification (germline): Uncertain significance. Review status: reviewed by expert panel (3 of 4 stars). 5 submissions from 5 submitters: Uncertain significance (1). 4 of the submissions do not count toward it. Last evaluated 2026-07-20.

Conditions:
Galactosemia. Also called: Galactose intolerance. Identifiers: Orphanet 352, MedGen C0016952, MONDO:0018116, HP:0004919. Disease mechanism: loss of function.
Deficiency of UDPglucose-hexose-1-phosphate uridylyltransferase. Also called: GALACTOSEMIA I; GALT deficiency; Galactosemia, classic; Transferase Deficiency Galactosemia; GALACTOSE-1-PHOSPHATE URIDYLYLTRANSFERASE DEFICIENCY. Identifiers: Orphanet 352, Orphanet 79239, MedGen C0268151, MONDO:0009258, OMIM 230400.

Allele frequency attached by ClinVar (database versions not stated): gnomAD exomes below 0.00001; TOPMed 0.00002.

Submissions (5):

Clingen Galactosemia Variant Curation Expert Panel, ClinGen
Classification: Uncertain significance for Galactosemia. Last evaluated: 2026-07-20. Review status: reviewed by expert panel. Criteria: ClinGen Galactosemia ACMG Specifications GALT V1.1. Collection method: curation. Allele origin: germline. Inheritance: Autosomal recessive inheritance.
Comment: The c.291C>T variant is a synonymous (silent) variant that the computational splicing predictor SpliceAI gives a score of 0.29 for acceptor loss and 0.36 for donor loss, predicting that the variant disrupts the acceptor and donor sites of exon 3 of GALT (PP3). The filtering allele frequency off the c.291C>T variant in GALT is 0.000004 for African chromosomes by gnomAD v4.1.0, which is lower than the ClinGen Galactosemia threshold (≤ 0.0005) for PM2_Supporting, and therefore meets this criterion (PM2_Supporting). In summary, this variant meets the criteria to be classified as variant of uncertain significance for galactosemia based on the ACMG/AMP criteria applied, as specified by the ClinGen Galactosemia VCEP: PM2_Supporting, PP3.

Mayo Clinic Laboratories, Mayo Clinic
Classification: Uncertain significance. Last evaluated: 2024-10-09. Review status: criteria provided, single submitter. Criteria: ACMG Guidelines, 2015. Collection method: clinical testing. Allele origin: germline. Observed: 1 variant allele. Not counted in ClinVar's aggregate classification.
Comment: PM2_supporting

Labcorp Genetics (formerly Invitae), Labcorp
Classification: Likely benign for Deficiency of UDPglucose-hexose-1-phosphate uridylyltransferase. Last evaluated: 2023-10-19. Review status: criteria provided, single submitter. Criteria: Invitae Variant Classification Sherloc (09022015). Collection method: clinical testing. Allele origin: germline. Not counted in ClinVar's aggregate classification.

ARUP Laboratories, Molecular Genetics and Genomics, ARUP Laboratories
Classification: Likely benign for Deficiency of UDPglucose-hexose-1-phosphate uridylyltransferase. Last evaluated: 2021-09-17. Review status: criteria provided, single submitter. Criteria: ARUP Molecular Germline Variant Investigation Process 2021. Collection method: clinical testing. Allele origin: germline. Not counted in ClinVar's aggregate classification.

Eurofins Ntd Llc (ga)
Classification: Uncertain significance. Last evaluated: 2015-09-18. Review status: criteria provided, single submitter. Criteria: EGL Classification Definitions 2015. Collection method: clinical testing. Allele origin: germline. Observed: 2 variant alleles, 2 heterozygotes. Not counted in ClinVar's aggregate classification.

NM_000155.4(GALT):c.291C>T (p.Asn97=)

Gene: GALT (galactose-1-phosphate uridylyltransferase; plus strand). Cytogenetic location: 9p13.3.
Variant type: single nucleotide variant.
Coding change: c.291C>T on transcript NM_000155.4 (MANE Select); coding-DNA position 291, C replaced by T.
Protein change: p.Asn97=; no amino-acid change (asparagine 97 retained).
Molecular consequence: synonymous variant. On other transcripts: intron variant (1).
Genome position (GRCh38, 1-based): chr9:34,647,530, C>T. VCF-style: chr9-34647530-C-T. GRCh37 (hg19) VCF-style: chr9-34647527-C-T.
Other names: p.Asn97=; NM_000155.4(GALT):c.291C>T; c.50+272C>T (NM_001258332.2).
Identifiers: ClinVar variation 92516 (VCV000092516.24), dbSNP rs398123180, ClinGen allele CA220417.